The following is an entry in ClinVar:

NM_002294.3(LAMP2):c.415_469dup (p.Ser157Ter)

Gene: LAMP2 (lysosome associated membrane protein 2; minus strand). Cytogenetic location: Xq24.
Variant type: Duplication.
Coding change: c.415_469dup on transcript NM_002294.3 (MANE Select); coding-DNA positions 415 to 469, 55 bases duplicated.
Protein change: p.Ser157Ter; replaces serine 157 with a stop codon.
Molecular consequence: nonsense.
Genome position (GRCh38, 1-based): chrX:120,449,057-120,449,111, 55 bases duplicated. GRCh37 (hg19): chrX:119,582,914-119,582,968.
Other names: c.415_469dup, p.Ser157Ter (NM_001122606.1, NM_013995.2); short protein forms S157*.
Identifiers: ClinVar variation 566028 (VCV000566028.8), dbSNP rs1569369940, ClinGen allele CA891844532.

ClinVar aggregate classification (germline): Pathogenic (1 of 4 stars; one submission).

Conditions:
Danon disease. Also called: ANTOPOL DISEASE; Glycogen Storage Disease Type IIb; PSEUDOGLYCOGENOSIS II; GSD IIb; LYSOSOMAL GLYCOGEN STORAGE DISEASE WITHOUT ACID MALTASE DEFICIENCY. Identifiers: Orphanet 34587, MedGen C0878677, MONDO:0010281, OMIM 300257.

Submission:

Labcorp Genetics (formerly Invitae), Labcorp
Classification: Pathogenic for Danon disease. Last evaluated: 2018-01-28. Review status: criteria provided, single submitter. Criteria: Invitae Variant Classification Sherloc (09022015). Collection method: clinical testing. Allele origin: germline.
Comment: This sequence change creates a premature translational stop signal (p.Ser157*) in the LAMP2 gene. It is expected to result in an absent or disrupted protein product. This variant is not present in population databases (ExAC no frequency). This variant has not been reported in the literature in individuals with LAMP2-related disease. Algorithms developed to predict the effect of sequence changes on RNA splicing suggest that this variant may create or strengthen a splice site, but this prediction has not been confirmed by published transcriptional studies. A different variant (c.470C>G ) giving rise to the same protein effect observed here (p.Ser157*) has been reported to segregate with Danon disease in a single family (PMID: 15792868), indicating that this residue may be critical for protein function. Loss-of-function variants in LAMP2 are known to be pathogenic (PMID: 21415759). For these reasons, this variant has been classified as Pathogenic.

Literature cited by the submitters: PubMed 15792868; PubMed 21415759.